The following is an entry in ClinVar:

NM_001378454.1(ALMS1):c.8122A>C (p.Met2708Leu)

Gene: ALMS1 (ALMS1 centrosome and basal body associated protein; plus strand). Cytogenetic location: 2p13.1.
Variant type: single nucleotide variant.
Coding change: c.8122A>C on transcript NM_001378454.1 (MANE Select); coding-DNA position 8122, A replaced by C.
Protein change: p.Met2708Leu; replaces methionine 2708 with leucine.
Molecular consequence: missense variant.
Genome position (GRCh38, 1-based): chr2:73,490,081, A>C. VCF-style: chr2-73490081-A-C. GRCh37 (hg19) VCF-style: chr2-73717208-A-C.
Other names: c.8125A>C, p.Met2709Leu (NM_015120.4); short protein forms M2709L, M2708L.
Identifiers: ClinVar variation 389624 (VCV000389624.15), dbSNP rs371904071, ClinGen allele CA1714407.

ClinVar aggregate classification (germline): Uncertain significance. Review status: criteria provided, multiple submitters, no conflicts (2 of 4 stars). 6 submissions from 6 submitters: Uncertain significance (4). 2 of the submissions do not count toward it. Last evaluated 2025-07-17.

Conditions:
Cardiovascular phenotype. Identifiers: MedGen CN230736.
Alstrom syndrome (ALMS). Identifiers: Orphanet 64, MedGen C0268425, MONDO:0008763, OMIM 203800.

Allele frequency attached by ClinVar (database versions not stated): ExAC 0.00001; gnomAD 0.00003; TOPMed 0.00003; ESP Exome Variant Server 0.00008.
gnomAD v4.1: 10 of 1,614,092 alleles (0.00062%); highest among the groups gnomAD compares: African/African-American, 0.0013%; no homozygotes.

Submissions (6):

Women's Health and Genetics/Laboratory Corporation of America, LabCorp
Classification: Uncertain significance. Last evaluated: 2025-07-17. Review status: criteria provided, single submitter. Criteria: LabCorp Variant Classification Summary - May 2015. Collection method: clinical testing. Allele origin: germline.

Ambry Genetics
Classification: Uncertain significance for Cardiovascular phenotype. Last evaluated: 2025-03-21. Review status: criteria provided, single submitter. Criteria: Ambry Variant Classification Scheme 2023. Collection method: clinical testing. Allele origin: germline.
Comment: The p.M2709L variant (also known as c.8125A>C), located in coding exon 10 of the ALMS1 gene, results from an A to C substitution at nucleotide position 8125. The methionine at codon 2709 is replaced by leucine, an amino acid with highly similar properties. This amino acid position is not well conserved in available vertebrate species. In addition, this alteration is predicted to be tolerated by in silico analysis. Since supporting evidence is limited at this time, the clinical significance of this alteration remains unclear.

Labcorp Genetics (formerly Invitae), Labcorp
Classification: Uncertain significance for Alstrom syndrome. Last evaluated: 2025-01-29. Review status: criteria provided, single submitter. Criteria: Invitae Variant Classification Sherloc (09022015). Collection method: clinical testing. Allele origin: germline.
Comment: This sequence change replaces methionine, which is neutral and non-polar, with leucine, which is neutral and non-polar, at codon 2709 of the ALMS1 protein (p.Met2709Leu). This variant is present in population databases (rs371904071, gnomAD 0.003%). This variant has not been reported in the literature in individuals affected with ALMS1-related conditions. ClinVar contains an entry for this variant (Variation ID: 389624). An algorithm developed to predict the effect of missense changes on protein structure and function outputs the following: PolyPhen-2: "Not Available". The leucine amino acid residue is found in multiple mammalian species, which suggests that this missense change does not adversely affect protein function. In summary, the available evidence is currently insufficient to determine the role of this variant in disease. Therefore, it has been classified as a Variant of Uncertain Significance.

GeneDx
Classification: Uncertain significance. Last evaluated: 2016-10-03. Review status: criteria provided, single submitter. Criteria: GeneDx Variant Classification (06012015). Collection method: clinical testing. Allele origin: germline. Affected: yes.
Comment: A variant of uncertain significance has been identified in the ALMS1 gene. The M2709L variant has not been published as a pathogenic variant, nor has it been reported as a benign variant to our knowledge. The M2709L variant was not observed with any significant frequency in approximately 6000 individuals of European and African American ancestry in the NHLBI Exome Sequencing Project, indicating it is not a common benign variant in these populations. Nevertheless, the M2709L variant is a conservative amino acid substitution, which is not likely to impact secondary protein structure as these residues share similar properties. This substitution occurs at a position not evolutionarily conserved and Leucine is the native amino acid at this position in multiple vertebrate species. In silico analysis predicts this variant likely does not alter the protein structure/function. Lastly, while some missense variants have been reported in association with Alstrom syndrome, most pathogenic variants in ALMS1 reported to date introduce a premature termination codon (Marshall et al., 2012; Stenson et al., 2014).

Natera, Inc.
Classification: Uncertain significance for Alstrom syndrome. Last evaluated: 2020-09-25. Review status: no assertion criteria provided. Collection method: clinical testing. Allele origin: germline. Not counted in ClinVar's aggregate classification.

Counsyl
Classification: Uncertain significance for Alstrom syndrome. Last evaluated: 2017-07-25. Review status: no assertion criteria provided. Collection method: clinical testing. Allele origin: unknown. Not counted in ClinVar's aggregate classification.